The following is an entry in ClinVar:

ClinVar aggregate classification (germline): Uncertain significance (1 of 4 stars; one submission).

Conditions:
Hypertrophic cardiomyopathy. Also called: HYPERTROPHIC MYOCARDIOPATHY. Identifiers: Orphanet 217569, MedGen C0007194, MeSH D002312, MONDO:0005045, HP:0001639.

Submission:

Labcorp Genetics (formerly Invitae), Labcorp
Classification: Uncertain significance for Hypertrophic cardiomyopathy. Last evaluated: 2022-03-25. Review status: criteria provided, single submitter. Criteria: Invitae Variant Classification Sherloc (09022015). Collection method: clinical testing. Allele origin: germline.
Comment: In summary, the available evidence is currently insufficient to determine the role of this variant in disease. Therefore, it has been classified as a Variant of Uncertain Significance. Algorithms developed to predict the effect of missense changes on protein structure and function (SIFT, PolyPhen-2, Align-GVGD) all suggest that this variant is likely to be tolerated. This variant has not been reported in the literature in individuals affected with TPM1-related conditions. This variant is not present in population databases (gnomAD no frequency). This sequence change replaces serine, which is neutral and polar, with arginine, which is basic and polar, at codon 36 of the TPM1 protein (p.Ser36Arg).

NM_001018005.2(TPM1):c.108C>G (p.Ser36Arg)

Gene: TPM1 (tropomyosin 1; plus strand). Cytogenetic location: 15q22.2.
Variant type: single nucleotide variant.
Coding change: c.108C>G on transcript NM_001018005.2 (MANE Select); coding-DNA position 108, C replaced by G.
Protein change: p.Ser36Arg; replaces serine 36 with arginine.
Molecular consequence: missense variant.
Genome position (GRCh38, 1-based): chr15:63,042,937, C>G. VCF-style: chr15-63042937-C-G. GRCh37 (hg19) VCF-style: chr15-63335136-C-G.
Other names: c.108C>G, p.Ser36Arg (NM_000366.6, NM_001018004.2, NM_001018006.2 and 24 more transcripts); short protein forms S36R.
Identifiers: ClinVar variation 2116708 (VCV002116708.4), dbSNP rs2542413238, ClinGen allele CA392718163.
Genomic context (GRCh38, chr15:63,042,937, plus strand): 5'-GAACGCCTTGGATCGAGCTGAGCAGGCGGAGGCCGACAAGAAGGCGGCGGAAGACAGGAG[C>G]AAGCAGGTCTGCGCCTCCCCGGCCCTGCGCCCGCGCCCAGAGCGCCGGGACTCGAGCCTG-3'
Protein context (NP_001018005.1, residues 26-46): EADKKAAEDR[Ser36Arg]KQLEDELVSL